The following is an entry in ClinVar:

NM_001458.5(FLNC):c.6707G>C (p.Ser2236Thr)

Genes: FLNC-AS1 (FLNC antisense RNA 1; minus strand), FLNC (filamin C; plus strand). Cytogenetic location: 7q32.1.
Variant type: single nucleotide variant.
Coding change: c.6707G>C on transcript NM_001458.5 (MANE Select); coding-DNA position 6707, G replaced by C.
Protein change: p.Ser2236Thr; replaces serine 2236 with threonine.
Molecular consequence: missense variant.
Genome position (GRCh38, 1-based): chr7:128,854,196, G>C. VCF-style: chr7-128854196-G-C. GRCh37 (hg19) VCF-style: chr7-128494250-G-C.
Other names: c.6608G>C, p.Ser2203Thr (NM_001127487.2); short protein forms S2203T, S2236T.
Identifiers: ClinVar variation 1037607 (VCV001037607.9), dbSNP rs1808951957, ClinGen allele CA369213243.
Genomic context (GRCh38, chr7:128,854,196, plus strand): 5'-ACCCCTTCCCTGCTGTGTTTGGGGACTTCCTGGGCCGGGAGCGCCTGGGATCCTTCGGCA[G>C]CATCACCCGGCAGCAGGAGGGTGAGCACCGCACACTGGGCCGGCCGGGTCCTCACGGCGG-3'
Protein context (NP_001449.3, residues 2226-2246): LGRERLGSFG[Ser2236Thr]ITRQQEGEAS

ClinVar aggregate classification (germline): Uncertain significance (1 of 4 stars; one submission).

Conditions:
Hypertrophic cardiomyopathy 26. Also called: Cardiomyopathy, familial hypertrophic, 26. Identifiers: Orphanet 75249, MedGen C4310749, MONDO:0014883, OMIM 617047.
Distal myopathy with posterior leg and anterior hand involvement. Also called: WILLIAMS DISTAL MYOPATHY. Identifiers: Orphanet 63273, MedGen C3279722, MONDO:0013550, OMIM 614065.
Myofibrillar myopathy 5. Also called: FILAMINOPATHY, AUTOSOMAL DOMINANT; Filaminopathy (type). Identifiers: Orphanet 171445, MedGen C1836050, MONDO:0012289, OMIM 609524.

Allele frequency attached by ClinVar (database versions not stated): TOPMed below 0.00001.

Submission:

Labcorp Genetics (formerly Invitae), Labcorp
Classification: Uncertain significance for Distal myopathy with posterior leg and anterior hand involvement; Myofibrillar myopathy 5; Hypertrophic cardiomyopathy 26. Last evaluated: 2020-06-21. Review status: criteria provided, single submitter. Criteria: Invitae Variant Classification Sherloc (09022015). Collection method: clinical testing. Allele origin: germline.
Comment: This sequence change replaces serine with threonine at codon 2236 of the FLNC protein (p.Ser2236Thr). The serine residue is moderately conserved and there is a small physicochemical difference between serine and threonine. This variant is not present in population databases (ExAC no frequency). This variant has not been reported in the literature in individuals with FLNC-related conditions. Algorithms developed to predict the effect of missense changes on protein structure and function (SIFT, PolyPhen-2, Align-GVGD) all suggest that this variant is likely to be tolerated, but these predictions have not been confirmed by published functional studies and their clinical significance is uncertain. In summary, the available evidence is currently insufficient to determine the role of this variant in disease. Therefore, it has been classified as a Variant of Uncertain Significance.